The following is an entry in ClinVar:

NM_000290.4(PGAM2):c.485G>C (p.Arg162Pro)

Genes: DBNL (drebrin like; plus strand), PGAM2 (phosphoglycerate mutase 2; minus strand), LOC129998341 (ATAC-STARR-seq lymphoblastoid active region 25924; plus strand). Cytogenetic location: 7p13.
Variant type: single nucleotide variant.
Coding change: c.485G>C on transcript NM_000290.4 (MANE Select); coding-DNA position 485, G replaced by C.
Protein change: p.Arg162Pro; replaces arginine 162 with proline.
Molecular consequence: missense variant. On other transcripts: 3 prime UTR variant (6).
Genome position (GRCh38, 1-based): chr7:44,064,942, C>G on the plus strand (G>C on the coding strand, the complement: PGAM2 is on the minus strand). VCF-style: chr7-44064942-C-G. GRCh37 (hg19) VCF-style: chr7-44104541-C-G.
Other names: c.*4026C>G (NM_001014436.3, NM_001122956.2, NM_001284313.2 and 3 more transcripts); short protein forms R162P.
Identifiers: ClinVar variation 2434672 (VCV002434672.4), dbSNP rs138954968, ClinGen allele CA157875555.

ClinVar aggregate classification (germline): Uncertain significance. Review status: criteria provided, multiple submitters, no conflicts (2 of 4 stars). 2 submissions from 2 submitters: Uncertain significance (2). Last evaluated 2023-11-25.

Conditions:
Glycogen storage disease type X (GSD10). Also called: Glycogen storage disease due to phosphoglycerate mutase deficiency; GSD X; MYOPATHY DUE TO PHOSPHOGLYCERATE MUTASE DEFICIENCY; PGAMM DEFICIENCY; PHOSPHOGLYCERATE MUTASE, MUSCLE, DEFICIENCY OF; Dimauro disease. Identifiers: Orphanet 97234, MedGen C0268149, MONDO:0009865, OMIM 261670.

Allele frequency attached by ClinVar (database versions not stated): TOPMed 0.00007.
gnomAD v4.1: 7 of 1,609,662 alleles (0.00043%); highest among the groups gnomAD compares: African/African-American, 0.0093%; no homozygotes.

Submissions (2):

Labcorp Genetics (formerly Invitae), Labcorp
Classification: Uncertain significance for Glycogen storage disease type X. Last evaluated: 2023-11-25. Review status: criteria provided, single submitter. Criteria: Invitae Variant Classification Sherloc (09022015). Collection method: clinical testing. Allele origin: germline.
Comment: This sequence change replaces arginine, which is basic and polar, with proline, which is neutral and non-polar, at codon 162 of the PGAM2 protein (p.Arg162Pro). The frequency data for this variant in the population databases is considered unreliable, as metrics indicate poor data quality at this position in the gnomAD database. This variant has not been reported in the literature in individuals affected with PGAM2-related conditions. ClinVar contains an entry for this variant (Variation ID: 2434672). Advanced modeling of protein sequence and biophysical properties (such as structural, functional, and spatial information, amino acid conservation, physicochemical variation, residue mobility, and thermodynamic stability) performed at Invitae indicates that this missense variant is expected to disrupt PGAM2 protein function with a positive predictive value of 80%. In summary, the available evidence is currently insufficient to determine the role of this variant in disease. Therefore, it has been classified as a Variant of Uncertain Significance.

Revvity Omics, Revvity
Classification: Uncertain significance for Glycogen storage disease type X. Last evaluated: 2022-12-13. Review status: criteria provided, single submitter. Criteria: ACMG Guidelines, 2015. Collection method: clinical testing. Allele origin: germline.